The following is an entry in ClinVar:

NM_004168.4(SDHA):c.58A>G (p.Lys20Glu)

Gene: SDHA (succinate dehydrogenase complex flavoprotein subunit A; plus strand). Cytogenetic location: 5p15.33.
Variant type: single nucleotide variant.
Coding change: c.58A>G on transcript NM_004168.4 (MANE Select); coding-DNA position 58, A replaced by G.
Protein change: p.Lys20Glu; replaces lysine 20 with glutamic acid.
Molecular consequence: missense variant.
Genome position (GRCh38, 1-based): chr5:218,413, A>G. VCF-style: chr5-218413-A-G. GRCh37 (hg19) VCF-style: chr5-218528-A-G.
Other names: c.58A>G, p.Lys20Glu (NM_001294332.2, NM_001330758.2); short protein forms K20E.
Identifiers: ClinVar variation 1002268 (VCV001002268.12), dbSNP rs1734504263, ClinGen allele CA359007448.

ClinVar aggregate classification (germline): Conflicting classifications of pathogenicity. Review status: criteria provided, conflicting classifications (1 of 4 stars). 2 submissions from 2 submitters: Uncertain significance (1); Likely benign (1). Last evaluated 2026-02-06.

Conditions:
Hereditary cancer-predisposing syndrome. Also called: Tumor predisposition; Hereditary neoplastic syndrome; Neoplastic Syndromes, Hereditary; Hereditary Cancer Syndrome. Identifiers: Orphanet 140162, MedGen C0027672, MeSH D009386, MONDO:0015356.
Mitochondrial complex II deficiency, nuclear type 1. Also called: SUCCINATE CoQ REDUCTASE DEFICIENCY. Identifiers: Orphanet 3208, MedGen C5700310, MONDO:0100294, OMIM 252011.
Pheochromocytoma/paraganglioma syndrome 5. Also called: Paragangliomas 5; SDHA-Related Hereditary Paraganglioma-Pheochromocytoma Syndrome. Identifiers: Orphanet 29072, MedGen C3279992, MONDO:0013602, OMIM 614165.

Submissions (2):

Ambry Genetics
Classification: Likely benign for Hereditary cancer-predisposing syndrome. Last evaluated: 2026-02-06. Review status: criteria provided, single submitter. Criteria: Ambry Variant Classification Scheme 2023. Collection method: clinical testing. Allele origin: germline.

Labcorp Genetics (formerly Invitae), Labcorp
Classification: Uncertain significance for Pheochromocytoma/paraganglioma syndrome 5; Mitochondrial complex II deficiency, nuclear type 1. Last evaluated: 2020-06-26. Review status: criteria provided, single submitter. Criteria: Invitae Variant Classification Sherloc (09022015). Collection method: clinical testing. Allele origin: germline.
Comment: This sequence change replaces lysine with glutamic acid at codon 20 of the SDHA protein (p.Lys20Glu). The lysine residue is weakly conserved and there is a small physicochemical difference between lysine and glutamic acid. This variant is not present in population databases (ExAC no frequency). This variant has not been reported in the literature in individuals with SDHA-related conditions. Algorithms developed to predict the effect of missense changes on protein structure and function (SIFT, PolyPhen-2, Align-GVGD) all suggest that this variant is likely to be tolerated, but these predictions have not been confirmed by published functional studies and their clinical significance is uncertain. In summary, the available evidence is currently insufficient to determine the role of this variant in disease. Therefore, it has been classified as a Variant of Uncertain Significance.